The following is an entry in ClinVar:

NM_001377.3(DYNC2H1):c.2272G>A (p.Glu758Lys)

Gene: DYNC2H1 (dynein cytoplasmic 2 heavy chain 1; plus strand). Cytogenetic location: 11q22.3.
Variant type: single nucleotide variant.
Coding change: c.2272G>A on transcript NM_001377.3 (MANE Select); coding-DNA position 2272, G replaced by A.
Protein change: p.Glu758Lys; replaces glutamic acid 758 with lysine.
Molecular consequence: missense variant.
Genome position (GRCh38, 1-based): chr11:103,135,561, G>A. VCF-style: chr11-103135561-G-A. GRCh37 (hg19) VCF-style: chr11-103006290-G-A.
Other names: c.2272G>A, p.Glu758Lys (NM_001080463.2); short protein forms E758K.
Identifiers: ClinVar variation 3896478 (VCV003896478.2).

ClinVar aggregate classification (germline): Uncertain significance (1 of 4 stars; one submission).

gnomAD v4.1: 3 of 1,612,826 alleles (0.00019%); highest among the groups gnomAD compares: African/African-American, 0.0013%; no homozygotes.

Submission:

Women's Health and Genetics/Laboratory Corporation of America, LabCorp
Classification: Uncertain significance. Last evaluated: 2025-04-04. Review status: criteria provided, single submitter. Criteria: LabCorp Variant Classification Summary - May 2015. Collection method: clinical testing. Allele origin: germline.
Comment: Variant summary: DYNC2H1 c.2272G>A (p.Glu758Lys) results in a conservative amino acid change in the encoded protein sequence. Three of five in-silico tools predict a damaging effect of the variant on protein function. The variant was absent in 248230 control chromosomes. The available data on variant occurrences in the general population are insufficient to allow any conclusion about variant significance. c.2272G>A has been reported in the literature in at least one compound heterozygous individual affected with Short-rib thoracic dysplasia (e.g. Strong_2023). These report(s) do not provide unequivocal conclusions about association of the variant with Short-rib thoracic dysplasia. To our knowledge, no experimental evidence demonstrating an impact on protein function has been reported. The following publication has been ascertained in the context of this evaluation (PMID: 36653407). No submitters have cited clinical-significance assessments for this variant to ClinVar. Based on the evidence outlined above, the variant was classified as uncertain significance.

Literature cited by the submitters: PubMed 36653407.